The following is an entry in ClinVar:

NM_001348386.3(CYP2D7):c.801A>C (p.Pro267=)

Gene: CYP2D7 (cytochrome P450 family 2 subfamily D member 7 (gene/pseudogene); minus strand). Cytogenetic location: 22q13.2.
Variant type: single nucleotide variant.
Coding change: c.801A>C on transcript NM_001348386.3; coding-DNA position 801, A replaced by C.
Protein change: p.Pro267=; no amino-acid change (proline 267 retained).
Molecular consequence: synonymous variant. On other transcripts: non-coding transcript variant (2).
Genome position (GRCh38, 1-based): chr22:42,141,910, T>G on the plus strand (A>C on the coding strand, the complement: CYP2D7 is on the minus strand). VCF-style: chr22-42141910-T-G. GRCh37 (hg19) VCF-style: chr22-42537920-T-G.
Identifiers: ClinVar variation 2653243 (VCV002653243.24), dbSNP rs199515619, ClinGen allele CA10265804.

ClinVar aggregate classification (germline): Likely benign (1 of 4 stars; one submission).

Allele frequency attached by ClinVar (database versions not stated): gnomAD exomes 0.00215; gnomAD 0.00361; TOPMed 0.00393; 1000 Genomes Project 30x 0.00437; ExAC 0.00584.

Submission:

CeGaT Center for Human Genetics Tuebingen
Classification: Likely benign. Last evaluated: 2024-02-01. Review status: criteria provided, single submitter. Criteria: CeGaT Center For Human Genetics Tuebingen Variant Classification Criteria Version 2. Collection method: clinical testing. Allele origin: germline. Affected: yes. Observed: 2 variant alleles.
Comment: CYP2D7: BS2